The following is an entry in ClinVar:

ClinVar aggregate classification (germline): Uncertain significance. Review status: criteria provided, multiple submitters, no conflicts (2 of 4 stars). 3 submissions from 3 submitters: Uncertain significance (3). Last evaluated 2025-12-03.

Conditions:
Inborn genetic diseases. Identifiers: MedGen C0950123, MeSH D030342.

gnomAD v4.1: 62 of 1,613,548 alleles (0.0038%); highest among the groups gnomAD compares: Admixed American, 0.012%; no homozygotes.

Submissions (3):

Mayo Clinic Laboratories, Mayo Clinic
Classification: Uncertain significance. Last evaluated: 2025-12-03. Review status: criteria provided, single submitter. Criteria: ACMG Guidelines, 2015. Collection method: clinical testing. Allele origin: germline. Observed: 1 variant allele.
Comment: BP4_moderate

Ambry Genetics
Classification: Uncertain significance for Inborn genetic diseases. Last evaluated: 2024-10-09. Review status: criteria provided, single submitter. Criteria: Ambry Variant Classification Scheme 2023. Collection method: clinical testing. Allele origin: germline.

Labcorp Genetics (formerly Invitae), Labcorp
Classification: Uncertain significance. Last evaluated: 2023-10-03. Review status: criteria provided, single submitter. Criteria: Invitae Variant Classification Sherloc (09022015). Collection method: clinical testing. Allele origin: germline.
Comment: This sequence change replaces leucine, which is neutral and non-polar, with valine, which is neutral and non-polar, at codon 79 of the SPINT2 protein (p.Leu79Val). This variant is present in population databases (rs769191493, gnomAD 0.009%). This variant has not been reported in the literature in individuals affected with SPINT2-related conditions. ClinVar contains an entry for this variant (Variation ID: 1435957). Advanced modeling of protein sequence and biophysical properties (such as structural, functional, and spatial information, amino acid conservation, physicochemical variation, residue mobility, and thermodynamic stability) performed at Invitae indicates that this missense variant is not expected to disrupt SPINT2 protein function. In summary, the available evidence is currently insufficient to determine the role of this variant in disease. Therefore, it has been classified as a Variant of Uncertain Significance.

NM_021102.4(SPINT2):c.235C>G (p.Leu79Val)

Gene: SPINT2 (serine peptidase inhibitor, Kunitz type 2; plus strand). Cytogenetic location: 19q13.2.
Variant type: single nucleotide variant.
Coding change: c.235C>G on transcript NM_021102.4 (MANE Select); coding-DNA position 235, C replaced by G.
Protein change: p.Leu79Val; replaces leucine 79 with valine.
Molecular consequence: missense variant. On other transcripts: intron variant (1).
Genome position (GRCh38, 1-based): chr19:38,283,755, C>G. VCF-style: chr19-38283755-C-G. GRCh37 (hg19) VCF-style: chr19-38774395-C-G.
Other names: p.Leu79Val; c.235C>G (NM_021102.3); c.107-4121C>G (NM_001166103.2); short protein forms L79V.
Identifiers: ClinVar variation 1435957 (VCV001435957.8), dbSNP rs769191493, ClinGen allele CA9411348.
Genomic context (GRCh38, chr19:38,283,755, plus strand): 5'-ACTGACGGATCCTGCCAGCTGTTTGTGTATGGGGGCTGTGACGGAAACAGCAATAATTAC[C>G]TGACCAAGGAGGAGTGCCTCAAGAAATGTGCCACTGTCACAGGTGAGATGGCAGTAGTTG-3'
Protein context (NP_066925.1, residues 69-89): GGCDGNSNNY[Leu79Val]TKEECLKKCA